The following is an entry in ClinVar:

ClinVar aggregate classification (germline): Uncertain significance. Review status: criteria provided, multiple submitters, no conflicts (2 of 4 stars). 2 submissions from 2 submitters: Uncertain significance (2). Last evaluated 2023-02-17.

Allele frequency attached by ClinVar (database versions not stated): ExAC 0.00001; gnomAD 0.00005; gnomAD exomes 0.00006; TOPMed 0.00006.
gnomAD v4.1: 89 of 1,614,028 alleles (0.0055%); highest among the groups gnomAD compares: Non-Finnish European, 0.0074%; no homozygotes.

Submissions (2):

Centre of Medical Genetics, University Hospital Muenster
Classification: Uncertain significance. Last evaluated: 2023-02-17. Review status: criteria provided, single submitter. Criteria: ACMG Guidelines, 2015. Collection method: clinical testing. Allele origin: unknown. Affected: yes. Observed: 1 variant allele, 1 heterozygote.
Comment: ACMG categories: PM2

Blueprint Genetics
Classification: Uncertain significance. Last evaluated: 2022-01-25. Review status: criteria provided, single submitter. Criteria: ACMG Guidelines, 2015. Collection method: clinical testing. Allele origin: germline.

NM_001038603.3(MARVELD2):c.1369C>T (p.Arg457Cys)

Gene: MARVELD2 (MARVEL domain containing 2; plus strand). Cytogenetic location: 5q13.2.
Variant type: single nucleotide variant.
Coding change: c.1369C>T on transcript NM_001038603.3 (MANE Select); coding-DNA position 1369, C replaced by T.
Protein change: p.Arg457Cys; replaces arginine 457 with cysteine.
Molecular consequence: missense variant.
Genome position (GRCh38, 1-based): chr5:69,432,959, C>T. VCF-style: chr5-69432959-C-T. GRCh37 (hg19) VCF-style: chr5-68728786-C-T.
Other names: c.1333C>T, p.Arg445Cys (NM_001244734.2); short protein forms R445C, R457C.
Identifiers: ClinVar variation 2430296 (VCV002430296.3), dbSNP rs774571921, ClinGen allele CA3294251.
Genomic context (GRCh38, chr5:69,432,959, plus strand): 5'-TTTGGCTTATGTTTTTCCCCTAGAAAATACCCTGTGATTCAGACAGATGATGAGCGAGAA[C>T]GCTATAAAGCTGTGTTCCAAGACCAGTTTTCAGAGTACAAAGAGCTGTCTGCAGAAGTTC-3'
Protein context (NP_001033692.2, residues 447-467): PVIQTDDERE[Arg457Cys]YKAVFQDQFS